The following is an entry in ClinVar:

NM_001042492.3(NF1):c.4084C>T (p.Arg1362Ter)

Gene: NF1 (neurofibromin 1; plus strand). Cytogenetic location: 17q11.2.
Variant type: single nucleotide variant.
Coding change: c.4084C>T on transcript NM_001042492.3 (MANE Select); coding-DNA position 4084, C replaced by T.
Protein change: p.Arg1362Ter; replaces arginine 1362 with a stop codon.
Molecular consequence: nonsense.
Genome position (GRCh38, 1-based): chr17:31,249,093, C>T. VCF-style: chr17-31249093-C-T. GRCh37 (hg19) VCF-style: chr17-29576111-C-T.
Other names: c.4084C>T, p.Arg1362Ter (NM_000267.4); short protein forms R1362*.
Identifiers: ClinVar variation 344 (VCV000000344.47), dbSNP rs137854560, ClinGen allele CA325494.

ClinVar aggregate classification (germline): Pathogenic. Review status: criteria provided, multiple submitters, no conflicts (2 of 4 stars). 25 submissions from 24 submitters: Pathogenic (24). 1 of the submissions does not count toward it. Last evaluated 2026-04-24.

Conditions:
NF1-related disorder. Also called: NF1-related condition. Identifiers: MedGen CN379171.
Hereditary cancer-predisposing syndrome. Also called: Tumor predisposition; Hereditary neoplastic syndrome; Hereditary Cancer Syndrome; Neoplastic Syndromes, Hereditary. Identifiers: Orphanet 140162, MedGen C0027672, MeSH D009386, MONDO:0015356.
Cardiovascular phenotype. Identifiers: MedGen CN230736.
Café-au-lait macules with pulmonary stenosis (WTSN). Also called: PULMONIC STENOSIS WITH CAFE-AU-LAIT SPOTS. Identifiers: MedGen C0553586, MONDO:0008672, OMIM 193520.
Neurofibromatosis-Noonan syndrome (NFNS). Also called: NEUROFIBROMATOSIS WITH NOONAN PHENOTYPE. Identifiers: Orphanet 638, MedGen C2931482, MONDO:0011035, OMIM 601321. Disease mechanism: loss of function.
Neurofibromatosis, type 1 (NF1). Also called: Peripheral type neurofibromatosis; VON RECKLINGHAUSEN DISEASE; NEUROFIBROMATOSIS, TYPE I, SOMATIC; Neurofibromatosis, type I. Identifiers: Orphanet 636, MedGen C0027831, MONDO:0018975, OMIM 162200. Disease mechanism: loss of function.
Juvenile myelomonocytic leukemia (JMML). Also called: LEUKEMIA, JUVENILE MYELOMONOCYTIC, SOMATIC. Identifiers: Orphanet 86834, MedGen C0349639, MONDO:0011908, OMIM 607785, HP:0012209.
Neurofibromatosis, familial spinal (FSNF). Identifiers: Orphanet 636, MedGen C1834235, MONDO:0008078, OMIM 162210. Disease mechanism: loss of function.

Allele frequency attached by ClinVar (database versions not stated): gnomAD exomes below 0.00001; ExAC 0.00001; TOPMed 0.00001.
gnomAD v4.1: 5 of 1,614,076 alleles (0.00031%); highest among the groups gnomAD compares: Non-Finnish European, 0.00034%; no homozygotes.

Submissions 1 to 17 of 25:

Ambry Genetics
Classification: Pathogenic for Cardiovascular phenotype; Hereditary cancer-predisposing syndrome. Last evaluated: 2026-04-24. Review status: criteria provided, single submitter. Criteria: Ambry Variant Classification Scheme 2023. Collection method: clinical testing. Allele origin: germline.
Comment: The c.4084C>T (p.R1362*) alteration, located in exon 30 (coding exon 30) of the NF1 gene, consists of a C to T substitution at nucleotide position 4084. This changes the amino acid from a arginine (R) to a stop codon at amino acid position 1362. This variant is expected to result in loss of function by premature protein truncation or nonsense-mediated mRNA decay. Based on data from gnomAD, the T allele has an overall frequency of <0.001% (1/251344) total alleles studied. The highest observed frequency was <0.001% (1/10076) of Ashkenazi Jewish alleles. This variant has been detected in multiple individuals satisfying NIH diagnostic criteria for NF1 (Fahsold, 2000; Ko, 2013; Kluwe, 2003). Based on the available evidence, this alteration is classified as pathogenic.

Institute of Human Genetics, University of Leipzig Medical Center
Classification: Pathogenic for Neurofibromatosis, type 1. Last evaluated: 2026-03-09. Review status: criteria provided, single submitter. Criteria: ACMG Guidelines, 2015. Collection method: clinical testing. Allele origin: unknown. Inheritance: Autosomal dominant inheritance. Affected: yes.
Comment: Criteria applied: PVS1,PS4,PM2_SUP,PP4

Labcorp Genetics (formerly Invitae), Labcorp
Classification: Pathogenic for Neurofibromatosis, type 1. Last evaluated: 2026-02-03. Review status: criteria provided, single submitter. Criteria: Invitae Variant Classification Sherloc (09022015). Collection method: clinical testing. Allele origin: germline.
Comment: This sequence change creates a premature translational stop signal (p.Arg1362*) in the NF1 gene. It is expected to result in an absent or disrupted protein product. Loss-of-function variants in NF1 are known to be pathogenic (PMID: 10712197, 23913538). This variant is present in population databases (rs137854560, gnomAD 0.01%). This premature translational stop signal has been observed in individual(s) with neurofibromatosis type 1 (PMID: 9003501, 10543400, 10712197, 12112660, 24789688; internal data). In at least one individual the variant was observed to be de novo. Invitae Evidence Modeling of clinical and family history, age, sex, and reported ancestry of multiple individuals with this NF1 variant has been performed. This variant is expected to be pathogenic with a positive predictive value of at least 99%. This is a validated machine learning model that incorporates the clinical features of 1,785,918 individuals referred to our laboratory for NF1 testing. ClinVar contains an entry for this variant (Variation ID: 344). For these reasons, this variant has been classified as Pathogenic.

3billion
Classification: Pathogenic for Neurofibromatosis, type 1. Last evaluated: 2025-12-10. Review status: criteria provided, single submitter. Criteria: ACMG Guidelines, 2015. Collection method: clinical testing. Allele origin: germline. Affected: yes.
Comment: The variant is observed at an extremely low frequency in the gnomAD v4.1.0 dataset (total allele frequency: <0.001%). Predicted Consequence/Location: Stop-gained (nonsense): predicted to result in a loss or disruption of normal protein function through nonsense-mediated decay (NMD) or protein truncation. Multiple pathogenic variants are reported downstream of the variant. The variant has been reported at least twice as pathogenic with clinical assertions and evidence for the classification (ClinVar ID: VCV000000344 /PMID: 9003501 /3billion dataset). Therefore, this variant is classified as Pathogenic according to the recommendation of ACMG/AMP guideline.

NHS Central & South Genomic Laboratory Hub
Classification: Pathogenic for Neurofibromatosis type 1. Last evaluated: 2025-12-08. Review status: criteria provided, single submitter. Criteria: ACMG Guidelines, 2015. Collection method: clinical testing. Allele origin: germline. Affected: yes.

Blueprint Genetics
Classification: Pathogenic for NF1-related disorders. Last evaluated: 2024-04-24. Review status: criteria provided, single submitter. Criteria: ACMG Guidelines, 2015. Collection method: clinical testing. Allele origin: germline. Affected: yes. Observed: 5 variant alleles.

Laboratory of Medical Genetics, National & Kapodistrian University of Athens
Classification: Pathogenic for Neurofibromatosis, type 1. Last evaluated: 2023-09-27. Review status: criteria provided, single submitter. Criteria: ACMG Guidelines, 2015. Collection method: clinical testing. Allele origin: germline. Affected: yes.
Comment: PVS1, PS4, PM2, PP5 - The variant has been reported in ClinVar by other laboratories (Variation ID 344). Loss-of-function variants in NF1 are known to be pathogenic (PMID: 23913538).

Institute of Medical Genetics and Applied Genomics, University Hospital Tübingen
Classification: Pathogenic for Neurofibromatosis, type 1. Last evaluated: 2023-08-29. Review status: criteria provided, single submitter. Criteria: ACMG Guidelines, 2015. Collection method: clinical testing. Allele origin: germline. Inheritance: Autosomal dominant inheritance. Affected: yes.

Revvity Omics, Revvity
Classification: Pathogenic. Last evaluated: 2023-07-05. Review status: criteria provided, single submitter. Criteria: ACMG Guidelines, 2015. Collection method: clinical testing. Allele origin: germline.

MGZ Medical Genetics Center
Classification: Pathogenic for Neurofibromatosis, type 1. Last evaluated: 2022-07-18. Review status: criteria provided, single submitter. Criteria: ACMG Guidelines, 2015. Collection method: clinical testing. Allele origin: germline. Affected: yes. Observed: 1 variant allele.
Comment: ACMG criteria applied: PVS1, PS4_MOD, PM2_SUP

Clinical Genetics Laboratory, Skane University Hospital Lund
Classification: Pathogenic. Last evaluated: 2022-05-27. Review status: criteria provided, single submitter. Criteria: ACMG Guidelines, 2015. Collection method: clinical testing. Allele origin: germline. Affected: yes.

Mayo Clinic Laboratories, Mayo Clinic
Classification: Pathogenic. Last evaluated: 2022-05-06. Review status: criteria provided, single submitter. Criteria: ACMG Guidelines, 2015. Collection method: clinical testing. Allele origin: germline. Observed: 9 variant alleles.
Comment: PP4, PM2, PVS1

Genome-Nilou Lab
Classification: Pathogenic for Neurofibromatosis, type 1. Last evaluated: 2022-03-15. Review status: criteria provided, single submitter. Criteria: ACMG Guidelines, 2015. Collection method: clinical testing. Allele origin: germline. Affected: no.

GeneDx
Classification: Pathogenic. Last evaluated: 2022-02-25. Review status: criteria provided, single submitter. Criteria: GeneDx Variant Classification Process June 2021. Collection method: clinical testing. Allele origin: germline. Affected: yes.
Comment: Nonsense variant predicted to result in protein truncation or nonsense mediated decay in a gene for which loss-of-function is a known mechanism of disease; Identified in patients with clinically diagnosed neurofibromatosis type 1 in published literature (Fahsold 2000, Evans 2016, Tsipi 2018); This variant is associated with the following publications: (PMID: 28852190, 28356599, 27236105, 10712197, 9003501, 25525159, 25541118, 27322474, 23668869, 14517963, 23913538, 24789688, 12112660, 10543400, 30308447, 29625052, 31776437, 31717729, 33674644)

Fulgent Genetics
Classification: Pathogenic for Neurofibromatosis, type 1; Neurofibromatosis, familial spinal; Café-au-lait macules with pulmonary stenosis; Neurofibromatosis-Noonan syndrome; Juvenile myelomonocytic leukemia. Last evaluated: 2022-01-19. Review status: criteria provided, single submitter. Criteria: ACMG Guidelines, 2015. Collection method: clinical testing. Allele origin: unknown.

Athena Diagnostics
Classification: Pathogenic. Last evaluated: 2022-01-14. Review status: criteria provided, single submitter. Criteria: Athena Diagnostics Criteria. Collection method: clinical testing. Allele origin: unknown.
Comment: This variant is expected to result in the loss of a functional protein. The frequency of this variant in the general population is consistent with pathogenicity. This variant has been identified in multiple individuals with clinical features associated with this gene.

Division of Genomic Medicine, Department of Advanced Medicine, Medical Research Institute, Kanazawa Medical University
Classification: Pathogenic for Neurofibromatosis, type 1. Last evaluated: 2021-02-03. Review status: criteria provided, single submitter. Criteria: ACMG Guidelines, 2015. Collection method: clinical testing. Allele origin: germline. Affected: yes. Observed: 1 variant allele.